The following is an entry in ClinVar:

NM_000321.3(RB1):c.1458del (p.Leu486fs)

Gene: RB1 (RB transcriptional corepressor 1; plus strand). Cytogenetic location: 13q14.2.
Variant type: Deletion.
Coding change: c.1458del on transcript NM_000321.3 (MANE Select); coding-DNA position 1458, one base deleted (A; older notation c.1458delA).
Protein change: p.Leu486fs; shifts the reading frame from leucine 486.
Molecular consequence: frameshift variant.
Genome position (GRCh38, 1-based): chr13:48,380,201, A deleted. VCF-style (leftmost placement, unchanged base first): chr13-48380200-TA-T. GRCh37 (hg19) VCF-style: chr13-48954336-TA-T.
Other names: c.1458delA (NM_000321.2); short protein forms L486fs.
Identifiers: ClinVar variation 458123 (VCV000458123.10), dbSNP rs1555286611, ClinGen allele CA658656368.
Genomic context (GRCh38, chr13:48,380,200, plus strand): 5'-TATAATCTTTTTTTTTTTCCTTTAGCAAACTTCTGAATGACAACATTTTTCATATGTCTT[TA>T]TTGGCGTGCGCTCTTGAGGTTGTAATGGCCACATATAGCAGTAAGTTAAATTTTCATAAA-3'

ClinVar aggregate classification (germline): Pathogenic (1 of 4 stars; one submission).

Conditions:
Retinoblastoma (RB1). Also called: RETINOBLASTOMA, SOMATIC. Identifiers: Orphanet 790, MedGen C0035335, MeSH D012175, MONDO:0008380, OMIM 180200, HP:0009919. Disease mechanism: loss of function. Inheritance: Both sporadic and heritable forms are tested..

Submission:

Labcorp Genetics (formerly Invitae), Labcorp
Classification: Pathogenic for Retinoblastoma. Last evaluated: 2019-04-28. Review status: criteria provided, single submitter. Criteria: Invitae Variant Classification Sherloc (09022015). Collection method: clinical testing. Allele origin: germline.
Comment: This sequence change creates a premature translational stop signal (p.Leu486Phefs*9) in the RB1 gene. It is expected to result in an absent or disrupted protein product. This variant is not present in population databases (ExAC no frequency). This variant has been reported in individuals in the Leiden Open-source Variation Database (PMID: 21520333). ClinVar contains an entry for this variant (Variation ID: 458123). Loss-of-function variants in RB1 are known to be pathogenic (PMID: 17096365). For these reasons, this variant has been classified as Pathogenic.

Literature cited by the submitters: PubMed 21520333; PubMed 17096365.